The following is an entry in ClinVar:

NM_000202.8(IDS):c.590C>T (p.Pro197Leu)

Genes: IDS (iduronate 2-sulfatase; minus strand), LOC106050102 (IDS recombination region; plus strand). Cytogenetic location: Xq28.
Variant type: single nucleotide variant.
Coding change: c.590C>T on transcript NM_000202.8 (MANE Select); coding-DNA position 590, C replaced by T.
Protein change: p.Pro197Leu; replaces proline 197 with leucine.
Molecular consequence: missense variant. On other transcripts: non-coding transcript variant (1).
Genome position (GRCh38, 1-based): chrX:149,498,225, G>A on the plus strand (C>T on the coding strand, the complement: IDS is on the minus strand). VCF-style: chrX-149498225-G-A. GRCh37 (hg19) VCF-style: chrX-148579756-G-A.
Other names: c.320C>T, p.Pro107Leu (NM_001166550.4); c.590C>T, p.Pro197Leu (NM_006123.5); short protein forms P107L, P197L.
Identifiers: ClinVar variation 988676 (VCV000988676.3), dbSNP rs2089451912, ClinGen allele CA414522424.

ClinVar aggregate classification (germline): Likely pathogenic. Review status: criteria provided, single submitter (1 of 4 stars). 2 submissions from 2 submitters: Likely pathogenic (1). 1 of the submissions does not count toward it. Last evaluated 2024-06-07.

Conditions:
Mucopolysaccharidosis, MPS-II (MPS2). Also called: IDS deficiency; Sulfoiduronate sulfatase deficiency; SIDS deficiency; Mucopolysaccharidosis type 2; Mucopolysaccharidosis Type II; Attenuated MPS (subtype; formerly known as mild MPS II). Identifiers: Orphanet 580, Orphanet 79388, MedGen C0026705, MONDO:0010674, OMIM 309900.

Submissions (2):

Laboratory of Diagnosis and Therapy of Lysosomal Disorders, University of Padova
Classification: Likely pathogenic for Mucopolysaccharidosis, MPS-II. Last evaluated: 2024-06-07. Review status: criteria provided, single submitter. Criteria: ACMG Guidelines, 2015. Collection method: literature only. Allele origin: germline. Affected: yes. Observed: 4 variant alleles.
Comment: Absent from controls (or at low frequency) in gnomAD database (PM2_Moderate), Missense variant in a gene with a low rate of benign missense variation (PP2_Supporting), Patient’s phenotype or family history highly specific for the disease (PP4_Strong)

Classification method: ACMG Guidelines [PMID:25741868] with modifications

Laboratory of Inherited Metabolic Diseases, Research centre for medical genetics
Classification: Pathogenic for Mucopolysaccharidosis, type II; MPS2. Review status: no assertion criteria provided. Collection method: research. Allele origin: germline. Affected: yes. Not counted in ClinVar's aggregate classification.

Literature cited by the submitters: PubMed 33676511 (cited by Laboratory of Diagnosis and Therapy of Lysosomal Disorders, University of Padova).